The following is an entry in ClinVar:

NM_015272.5(RPGRIP1L):c.3433-1G>A

Gene: RPGRIP1L (RPGRIP1 like; minus strand). Cytogenetic location: 16q12.2.
Variant type: single nucleotide variant.
Coding change: c.3433-1G>A on transcript NM_015272.5 (MANE Select); the canonical splice acceptor site of the intron before coding-DNA position 3433, G replaced by A.
Molecular consequence: splice acceptor variant.
Genome position (GRCh38, 1-based): chr16:53,619,209, C>T on the plus strand (G>A on the coding strand, the complement: RPGRIP1L is on the minus strand). VCF-style: chr16-53619209-C-T. GRCh37 (hg19) VCF-style: chr16-53653121-C-T.
Other names: c.3433-1G>A (NM_015272.4); c.3193-1G>A (NM_001127897.4); c.3331-1G>A (NM_001330538.2); c.3295-1G>A (NM_001308334.3).
Identifiers: ClinVar variation 2930995 (VCV002930995.4), dbSNP rs1241312606, ClinGen allele CA395923717.

ClinVar aggregate classification (germline): Likely pathogenic. Review status: criteria provided, multiple submitters, no conflicts (2 of 4 stars). 2 submissions from 2 submitters: Likely pathogenic (2). Last evaluated 2026-04-28.

Conditions:
RPGRIP1L-related disorder. Also called: RPGRIP1L-related condition; RPGRIP1L-related disorders. Identifiers: MedGen CN239416.
Meckel-Gruber syndrome. Also called: Dysencephalia splachnocystica; DYSENCEPHALIA SPLANCHNOCYSTICA; GRUBER SYNDROME. Identifiers: Orphanet 564, MedGen C0265215, MONDO:0018921.
Joubert syndrome. Also called: Familial aplasia of the vermis; JOUBERT-BOLTSHAUSER SYNDROME. Identifiers: Orphanet 475, MedGen C5979921, MONDO:0018772.

Allele frequency attached by ClinVar (database versions not stated): TOPMed 0.00001; gnomAD exomes below 0.00001; gnomAD 0.00001.
gnomAD v4.1: 2 of 1,612,452 alleles (0.00012%); highest among the groups gnomAD compares: African/African-American, 0.0027%; no homozygotes.

Submissions (2):

PreventionGenetics, part of Exact Sciences
Classification: Likely pathogenic for RPGRIP1L-related condition. Last evaluated: 2026-04-28. Review status: criteria provided, single submitter. Criteria: ACMG Guidelines, 2015. Collection method: clinical testing. Allele origin: germline.
Comment: The RPGRIP1L c.3433-1G>A variant is predicted to disrupt the AG splice acceptor site and interfere with normal splicing. To our knowledge, this variant has not been reported in the literature or in a large population database (gnomAD), indicating this variant is rare. Variants that disrupt the consensus splice acceptor site in RPGRIP1L are expected to be pathogenic. This variant is interpreted as likely pathogenic.

Labcorp Genetics (formerly Invitae), Labcorp
Classification: Likely pathogenic for Joubert syndrome; Meckel-Gruber syndrome. Last evaluated: 2023-04-20. Review status: criteria provided, single submitter. Criteria: Invitae Variant Classification Sherloc (09022015). Collection method: clinical testing. Allele origin: germline.
Comment: This sequence change affects an acceptor splice site in intron 23 of the RPGRIP1L gene. It is expected to disrupt RNA splicing. Variants that disrupt the donor or acceptor splice site typically lead to a loss of protein function (PMID: 16199547), and loss-of-function variants in RPGRIP1L are known to be pathogenic (PMID: 17558409). This variant is not present in population databases (gnomAD no frequency). This variant has not been reported in the literature in individuals affected with RPGRIP1L-related conditions. Algorithms developed to predict the effect of sequence changes on RNA splicing suggest that this variant may disrupt the consensus splice site. In summary, the currently available evidence indicates that the variant is pathogenic, but additional data are needed to prove that conclusively. Therefore, this variant has been classified as Likely Pathogenic.

Literature cited by the submitters: PubMed 16199547 (cited by Labcorp Genetics (formerly Invitae), Labcorp); PubMed 17558409 (cited by Labcorp Genetics (formerly Invitae), Labcorp).